The following is an entry in ClinVar:

NM_020921.4(NIN):c.1765C>A (p.Pro589Thr)

Gene: NIN (ninein; minus strand). Cytogenetic location: 14q22.1.
Variant type: single nucleotide variant.
Coding change: c.1765C>A on transcript NM_020921.4 (MANE Select); coding-DNA position 1765, C replaced by A.
Protein change: p.Pro589Thr; replaces proline 589 with threonine.
Molecular consequence: missense variant.
Genome position (GRCh38, 1-based): chr14:50,763,835, G>T on the plus strand (C>A on the coding strand, the complement: NIN is on the minus strand). VCF-style: chr14-50763835-G-T. GRCh37 (hg19) VCF-style: chr14-51230553-G-T.
Other names: c.1765C>A, p.Pro589Thr (NM_016350.5, NM_182944.3, NM_182946.2); short protein forms P589T.
Identifiers: ClinVar variation 2127952 (VCV002127952.4), dbSNP rs1379149029, ClinGen allele CA389703983.

ClinVar aggregate classification (germline): Uncertain significance (1 of 4 stars; one submission).

Submission:

Labcorp Genetics (formerly Invitae), Labcorp
Classification: Uncertain significance. Last evaluated: 2022-04-24. Review status: criteria provided, single submitter. Criteria: Invitae Variant Classification Sherloc (09022015). Collection method: clinical testing. Allele origin: germline.
Comment: In summary, the available evidence is currently insufficient to determine the role of this variant in disease. Therefore, it has been classified as a Variant of Uncertain Significance. Algorithms developed to predict the effect of missense changes on protein structure and function (SIFT, PolyPhen-2, Align-GVGD) all suggest that this variant is likely to be tolerated. This variant has not been reported in the literature in individuals affected with NIN-related conditions. This variant is not present in population databases (gnomAD no frequency). This sequence change replaces proline, which is neutral and non-polar, with threonine, which is neutral and polar, at codon 589 of the NIN protein (p.Pro589Thr).